The following is an entry in ClinVar:

NM_000330.4(RS1):c.422G>A (p.Arg141His)

Genes: CDKL5 (cyclin dependent kinase like 5; plus strand), RS1 (retinoschisin 1; minus strand). Cytogenetic location: Xp22.13.
Variant type: single nucleotide variant.
Coding change: c.422G>A on transcript NM_000330.4 (MANE Select); coding-DNA position 422, G replaced by A.
Protein change: p.Arg141His; replaces arginine 141 with histidine.
Molecular consequence: missense variant. On other transcripts: intron variant (2).
Genome position (GRCh38, 1-based): chrX:18,644,530, C>T on the plus strand (G>A on the coding strand, the complement: RS1 is on the minus strand). VCF-style: chrX-18644530-C-T. GRCh37 (hg19) VCF-style: chrX-18662650-C-T.
Other names: NM_000330.4(RS1):c.422G>A; c.2714-1477C>T (NM_003159.3, NM_001037343.2); short protein forms R141H.
Identifiers: ClinVar variation 98960 (VCV000098960.16), dbSNP rs61752159, ClinGen allele CA226730.
Genomic context (GRCh38, chrX:18,644,530, plus strand): 5'-AGGCGCTCATCGGTCCTGTACTGCACGCTGTACTTGGTCATCCACTCATCGATGTCACAG[C>T]GCCCCTGGGTGAGGATCCCTGAAATCACTTTGATCTCCTTCAGATCTATCTGTAACCACT-3'
Protein context (NP_000321.1, residues 131-151): KVISGILTQG[Arg141His]CDIDEWMTKY

ClinVar aggregate classification (germline): Pathogenic. Review status: reviewed by expert panel (3 of 4 stars). 8 submissions from 8 submitters: Pathogenic (1). 7 of the submissions do not count toward it. Last evaluated 2025-09-21.

Conditions:
RS1-related disorder. Also called: RS1-related condition.
Retinal dystrophy. Also called: Inherited retinal dystrophy. Identifiers: Orphanet 71862, MedGen C0854723, MeSH D058499, MONDO:0019118, HP:0000556.
Juvenile retinoschisis (RS1). Also called: X-Linked Juvenile Retinoschisis; X-linked retinoschisis. Identifiers: Orphanet 792, MedGen C3714753, MONDO:0010725, OMIM 312700.

Submissions (8):

ClinGen X-linked Inherited Retinal Disease Variant Curation Expert Panel, ClinGen
Classification: Pathogenic for Juvenile retinoschisis. Last evaluated: 2025-09-21. Review status: reviewed by expert panel. Criteria: ClinGen X LinkedIRD ACMG Specifications RS1 V1.0.0. Collection method: curation. Allele origin: germline. Inheritance: X-linked inheritance.
Comment: NM_000330.4(RS1):c.422G>A (p.Arg141His) is a missense variant encoding the substitution of arginine with histidine at amino acid 141. This variant is absent from hemizygous individuals in gnomAD v4.1.0 (PM2_Supporting). This variant has been reported in at least 6 apparently unrelated probands meeting the PS4 requirement of a male diagnosed with X-linked retinoschisis (PMIDs: 34645606, 30450322, 29739629, 35984651, 30652005, 19093009, PS4). At least one proband harboring this variant exhibits a phenotype including appearance of schisis and reduced visual acuity before age 13 years, which together are specific for X-linked retinoschisis (PMID: 29851975, PP4). The computational predictor REVEL gives a score of 0.909, which is within the ClinGen X-linked IRD VCEP range between 0.931 to 0.773 and predicts a damaging effect on RS1 function (PP3_Moderate). The computational splicing predictor SpliceAI gives a delta score of 0.00 for all predicted splice changes, which is below the ClinGen X-linked IRD VCEP threshold of >0.2 and does not predict that the variant disrupts RS1 splicing. HEK293 cells exogenously expressing the variant exhibit loss of RS1 membrane binding, and the variant is unable to attenuate photoreceptor degeneration in retinal explants (PMID: 30040949, PS3_Supporting). In summary, this variant is classified as pathogenic for X-linked retinoschisis based on the ClinGen X-linked Inherited Retinal Disease Expert Panel Specifications to the ACMG/AMP Variant Interpretation Guidelines for RS1 Version 1.0.0: PM2_Supporting, PP3_Moderate, PS3_Supporting, PP1_Strong, PP4, and PS4.

Labcorp Genetics (formerly Invitae), Labcorp
Classification: Pathogenic. Last evaluated: 2025-12-23. Review status: criteria provided, single submitter. Criteria: Invitae Variant Classification Sherloc (09022015). Collection method: clinical testing. Allele origin: germline. Not counted in ClinVar's aggregate classification.
Comment: This sequence change replaces arginine, which is basic and polar, with histidine, which is basic and polar, at codon 141 of the RS1 protein (p.Arg141His). This variant is not present in population databases (gnomAD no frequency). This missense change has been observed in individuals with X-linked juvenile retinoschisis (PMID: 9618178, 10636429, 30450322, 30652005). It has also been observed to segregate with disease in related individuals. ClinVar contains an entry for this variant (Variation ID: 98960). Invitae Evidence Modeling of protein sequence and biophysical properties (such as structural, functional, and spatial information, amino acid conservation, physicochemical variation, residue mobility, and thermodynamic stability) indicates that this missense variant is expected to disrupt RS1 protein function with a positive predictive value of 95%. Experimental studies are conflicting or provide insufficient evidence to determine the effect of this variant on RS1 function (PMID: 16361673, 17525175). For these reasons, this variant has been classified as Pathogenic.

Blueprint Genetics
Classification: Pathogenic for RS1-related disorders. Last evaluated: 2024-04-26. Review status: criteria provided, single submitter. Criteria: ACMG Guidelines, 2015. Collection method: clinical testing. Allele origin: germline. Affected: yes. Observed: 5 variant alleles. Not counted in ClinVar's aggregate classification.

Institute of Human Genetics, Univ. Regensburg, Univ. Regensburg
Classification: Pathogenic for Retinal dystrophy. Last evaluated: 2023-01-01. Review status: criteria provided, single submitter. Criteria: ACMG Guidelines, 2015. Collection method: clinical testing. Allele origin: germline. Affected: yes. Not counted in ClinVar's aggregate classification.

Institute of Medical Genetics and Applied Genomics, University Hospital Tübingen
Classification: Pathogenic. Last evaluated: 2020-10-23. Review status: criteria provided, single submitter. Criteria: ACMG Guidelines, 2015. Collection method: clinical testing. Allele origin: germline. Inheritance: X-linked dominant inheritance. Affected: yes. Not counted in ClinVar's aggregate classification.

GeneDx
Classification: Pathogenic. Last evaluated: 2018-12-20. Review status: criteria provided, single submitter. Criteria: GeneDx Variant Classification (06012015). Collection method: clinical testing. Allele origin: germline. Affected: yes. Not counted in ClinVar's aggregate classification.
Comment: The R141H missense variant in the RS1 gene has been reported previously in association with X-linked juvenile retinoschisis (Retinoschisis Consortium, 1998; Wang et al., 2006; Lesch et al., 2008; Shukla et al. 2007; Park et al. 2000). The R141H variant was not observed in approximately 6,500 individuals of European and African American ancestry in the NHLBI Exome Sequencing Project, indicating it is not a common benign variant in these populations. R141H is a conservative amino acid substitution that occurs at a position that is conserved across species. Therefore, we interpret R141H to be a pathogenic variant.

Counsyl
Classification: Likely pathogenic for Juvenile retinoschisis. Last evaluated: 2016-11-04. Review status: no assertion criteria provided. Collection method: clinical testing. Allele origin: unknown. Not counted in ClinVar's aggregate classification.

Retina International
No classification provided. Review status: no classification provided. Collection method: not provided. Allele origin: unknown. Not counted in ClinVar's aggregate classification.

Literature cited by the submitters: PubMed 9618178 (cited by 3 submitters); PubMed 10636429 (cited by Labcorp Genetics (formerly Invitae), Labcorp and Counsyl); PubMed 30450322 (cited by Labcorp Genetics (formerly Invitae), Labcorp and Institute of Human Genetics, Univ. Regensburg, Univ. Regensburg); PubMed 30652005 (cited by Labcorp Genetics (formerly Invitae), Labcorp and Institute of Human Genetics, Univ. Regensburg, Univ. Regensburg); PubMed 16361673 (cited by 3 submitters); PubMed 17525175 (cited by 3 submitters); PubMed 20061330 (cited by Institute of Human Genetics, Univ. Regensburg, Univ. Regensburg and Counsyl); PubMed 27798099 (cited by Institute of Human Genetics, Univ. Regensburg, Univ. Regensburg); PubMed 35456481 (cited by Institute of Human Genetics, Univ. Regensburg, Univ. Regensburg); PubMed 36377647 (cited by Institute of Human Genetics, Univ. Regensburg, Univ. Regensburg); PubMed 34822951 (cited by Institute of Human Genetics, Univ. Regensburg, Univ. Regensburg); PubMed 34624300 (cited by Institute of Human Genetics, Univ. Regensburg, Univ. Regensburg); PubMed 34645606 (cited by Institute of Human Genetics, Univ. Regensburg, Univ. Regensburg); PubMed 18834580 (cited by Counsyl); PubMed 19093009 (cited by Counsyl); PubMed 17631851 (cited by Counsyl); PubMed 18690710 (cited by Counsyl).